The following is an entry in ClinVar:

ClinVar aggregate classification (germline): Pathogenic (1 of 4 stars; one submission).

Conditions:
Microcephaly, short stature, and impaired glucose metabolism 1 (MSSGM1). Identifiers: Orphanet 391408, MedGen C4014997, MONDO:0000208, OMIM 616033.

Submission:

3billion
Classification: Pathogenic for Microcephaly, short stature, and impaired glucose metabolism 1. Last evaluated: 2023-02-23. Review status: criteria provided, single submitter. Criteria: ACMG Guidelines, 2015. Collection method: clinical testing. Allele origin: unknown. Affected: yes.
Comment: The variant is not observed in the gnomAD v2.1.1 dataset. This variant was predicted to result in a loss or disruption of normal protein function through nonsense-mediated decay (NMD) or protein truncation. Multiple pathogenic variants are reported downstream of the variant. Therefore, this variant is classified as Pathogenic according to the recommendation of ACMG/AMP guideline.

NM_001134665.3(TRMT10A):c.346A>T (p.Lys116Ter)

Gene: TRMT10A (tRNA methyltransferase 10A; minus strand). Cytogenetic location: 4q23.
Variant type: single nucleotide variant.
Coding change: c.346A>T on transcript NM_001134665.3 (MANE Select); coding-DNA position 346, A replaced by T.
Protein change: p.Lys116Ter; replaces lysine 116 with a stop codon.
Molecular consequence: nonsense.
Genome position (GRCh38, 1-based): chr4:99,558,051, T>A on the plus strand (A>T on the coding strand, the complement: TRMT10A is on the minus strand). VCF-style: chr4-99558051-T-A. GRCh37 (hg19) VCF-style: chr4-100479208-T-A.
Other names: c.346A>T, p.Lys116Ter (NM_001134666.3, NM_001375880.1, NM_001375881.1 and 2 more transcripts); short protein forms K116*.
Identifiers: ClinVar variation 2444063 (VCV002444063.1), dbSNP rs2476027546, ClinGen allele CA357511804.